The following is an entry in ClinVar:

ClinVar aggregate classification (germline): Uncertain significance (1 of 4 stars; one submission).

Conditions:
Hypercholesterolemia, autosomal dominant, 3 (FHCL3). Also called: Familial Hypercholesterolemia, Autosomal Dominant, 3; PCSK9-Related Familial Hypercholesterolemia, Autosomal Dominant; Familial hypercholesterolemia 3. Identifiers: MedGen C1863551, MONDO:0011369, OMIM 603776.

Submission:

All of Us Research Program, National Institutes of Health
Classification: Uncertain significance for Hypercholesterolemia, autosomal dominant, 3. Last evaluated: 2023-05-16. Review status: criteria provided, single submitter. Criteria: ACMG Guidelines, 2015. Collection method: clinical testing. Allele origin: germline. Inheritance: Autosomal dominant inheritance. Observed: 1 variant allele, 1 heterozygote.
Comment: This missense variant replaces histidine with tyrosine at codon 139 of the PCSK9 protein. Computational prediction suggests that this variant may not impact protein structure and function (internally defined REVEL score threshold <= 0.5, PMID: 27666373). To our knowledge, functional studies have not been reported for this variant. This variant has not been reported in individuals affected with PCSK9-related disorders in the literature. This variant has not been identified in the general population by the Genome Aggregation Database (gnomAD). The available evidence is insufficient to determine the role of this variant in disease conclusively. Therefore, this variant is classified as a Variant of Uncertain Significance.

This study involves interpretation of variants in research participants for the purpose of population health screening. Participant phenotype was not available at the time of variant classification. Additional details can be found in publication PMID: 35346344, PMCID: PMC8962531

NM_174936.4(PCSK9):c.415C>T (p.His139Tyr)

Gene: PCSK9 (proprotein convertase subtilisin/kexin type 9; plus strand). Cytogenetic location: 1p32.3.
Variant type: single nucleotide variant.
Coding change: c.415C>T on transcript NM_174936.4 (MANE Select); coding-DNA position 415, C replaced by T.
Protein change: p.His139Tyr; replaces histidine 139 with tyrosine.
Molecular consequence: missense variant. On other transcripts: non-coding transcript variant (6), intron variant (1).
Genome position (GRCh38, 1-based): chr1:55,046,538, C>T. VCF-style: chr1-55046538-C-T. GRCh37 (hg19) VCF-style: chr1-55512211-C-T.
Other names: c.538C>T, p.His180Tyr (NM_001407240.1); c.415C>T, p.His139Tyr (NM_001407241.1, NM_001407242.1, NM_001407244.1 and 1 more transcripts); c.223C>T, p.His75Tyr (NM_001407245.1); c.40C>T, p.His14Tyr (NM_001407246.1); c.400-42C>T (NM_001407243.1); short protein forms H139Y, H14Y, H180Y, H75Y.
Identifiers: ClinVar variation 3071104 (VCV003071104.1), dbSNP rs2523195344, ClinGen allele CA340484489.
Genomic context (GRCh38, chr1:55,046,538, plus strand): 5'-CCAAATGGCTTAAGCAGAGTCCCCCGGCCTCTCTGGCTTCTGCAGGCCTTGAAGTTGCCC[C>T]ATGTCGACTACATCGAGGAGGACTCCTCTGTCTTTGCCCAGAGCATCCCGTGGAACCTGG-3'
Protein context (NP_777596.2, residues 129-149): DLLELALKLP[His139Tyr]VDYIEEDSSV